The following is an entry in ClinVar:

NM_000373.4(UMPS):c.*3065C>T

Gene: UMPS (uridine monophosphate synthetase; plus strand). Cytogenetic location: 3q21.2.
Variant type: single nucleotide variant.
Coding change: c.*3065C>T on transcript NM_000373.4 (MANE Select); 3065 bases downstream of the stop codon, C replaced by T.
Molecular consequence: 3 prime UTR variant. On other transcripts: non-coding transcript variant (2).
Genome position (GRCh38, 1-based): chr3:124,747,149, C>T. VCF-style: chr3-124747149-C-T. GRCh37 (hg19) VCF-style: chr3-124465996-C-T.
Identifiers: ClinVar variation 342994 (VCV000342994.5), dbSNP rs116880739, ClinGen allele CA2582089.

ClinVar aggregate classification (germline): Likely benign (1 of 4 stars; one submission).

Conditions:
Oroticaciduria. Also called: Orotic aciduria. Identifiers: Orphanet 30, MedGen C0268128, HP:0003218.

Allele frequency attached by ClinVar (database versions not stated): gnomAD 0.00038; gnomAD exomes 0.00058; TOPMed 0.00067; 1000 Genomes Project 30x 0.00172; 1000 Genomes Project 0.00200; ExAC 0.00019.
gnomAD v4.1: 136 of 454,002 alleles (0.03%); highest among the groups gnomAD compares: East Asian, 0.69%; no homozygotes.

Submission:

Illumina Laboratory Services, Illumina
Classification: Likely benign for Hereditary orotic aciduria. Last evaluated: 2018-01-12. Review status: criteria provided, single submitter. Criteria: ICSL Variant Classification Criteria 13 December 2019. Collection method: clinical testing. Allele origin: germline.
Comment: This variant was observed in the ICSL laboratory as part of a predisposition screen in an ostensibly healthy population. It had not been previously curated by ICSL or reported in the Human Gene Mutation Database (HGMD: prior to June 1st, 2018), and was therefore a candidate for classification through an automated scoring system. Utilizing variant allele frequency, disease prevalence and penetrance estimates, and inheritance mode, an automated score was calculated to assess if this variant is too frequent to cause the disease. Based on the score and internal cut-off values, a variant classified as likely benign is not then subjected to further curation. The score for this variant resulted in a classification of likely benign for this disease.